The following is an entry in ClinVar:

ClinVar aggregate classification (germline): Conflicting classifications of pathogenicity. Review status: criteria provided, conflicting classifications (1 of 4 stars). 2 submissions from 2 submitters: Uncertain significance (1); Likely benign (1). Last evaluated 2025-04-09.

Conditions:
Marfan syndrome (MFS). Also called: MARFAN SYNDROME, TYPE I; Marfan syndrome type 1; Marfan's syndrome; Marfan syndrome, classic; FBN1-Related Marfan Syndrome. Identifiers: Orphanet 284963, Orphanet 558, MedGen C0024796, MONDO:0007947, OMIM 154700.
Familial thoracic aortic aneurysm and aortic dissection (TAAD). Also called: Thoracic aortic aneurysms and dissections. Identifiers: Orphanet 91387, MedGen C4707243, MONDO:0019625.

Submissions (2):

Color Diagnostics, LLC DBA Color Health
Classification: Uncertain significance for Familial thoracic aortic aneurysm and aortic dissection. Last evaluated: 2025-04-09. Review status: criteria provided, single submitter. Criteria: ACMG Guidelines, 2015. Collection method: clinical testing. Allele origin: germline.
Comment: This variant causes a T to C nucleotide substitution at the -12 position of intron 4/ of the FBN1 gene. To our knowledge, functional studies have not been reported for this variant. This variant has not been reported in individuals affected with FBN1-related disorders in the literature. This variant has not been identified in the general population by the Genome Aggregation Database (gnomAD). The available evidence is insufficient to determine the role of this variant in disease conclusively. Therefore, this variant is classified as a Variant of Uncertain Significance.

Labcorp Genetics (formerly Invitae), Labcorp
Classification: Likely benign for Marfan syndrome; Familial thoracic aortic aneurysm and aortic dissection. Last evaluated: 2024-08-31. Review status: criteria provided, single submitter. Criteria: Invitae Variant Classification Sherloc (09022015). Collection method: clinical testing. Allele origin: germline.

NM_000138.5(FBN1):c.347-12T>C

Gene: FBN1 (fibrillin 1; minus strand). Cytogenetic location: 15q21.1.
Variant type: single nucleotide variant.
Coding change: c.347-12T>C on transcript NM_000138.5 (MANE Select); 12 bases into the intron before coding-DNA position 347, T replaced by C.
Molecular consequence: intron variant.
Genome position (GRCh38, 1-based): chr15:48,600,246, A>G on the plus strand (T>C on the coding strand, the complement: FBN1 is on the minus strand). VCF-style: chr15-48600246-A-G. GRCh37 (hg19) VCF-style: chr15-48892443-A-G.
Other names: c.347-12T>C (NM_001406716.1, NM_001406717.1).
Identifiers: ClinVar variation 3753528 (VCV003753528.3).